The following is an entry in ClinVar:

NM_000393.5(COL5A2):c.3646G>A (p.Glu1216Lys)

Gene: COL5A2 (collagen type V alpha 2 chain; minus strand). Cytogenetic location: 2q32.2.
Variant type: single nucleotide variant.
Coding change: c.3646G>A on transcript NM_000393.5 (MANE Select); coding-DNA position 3646, G replaced by A.
Protein change: p.Glu1216Lys; replaces glutamic acid 1216 with lysine.
Molecular consequence: missense variant.
Genome position (GRCh38, 1-based): chr2:189,039,551, C>T on the plus strand (G>A on the coding strand, the complement: COL5A2 is on the minus strand). VCF-style: chr2-189039551-C-T. GRCh37 (hg19) VCF-style: chr2-189904277-C-T.
Other names: p.Glu1216Lys; short protein forms E1216K.
Identifiers: ClinVar variation 519677 (VCV000519677.19), dbSNP rs755429175, ClinGen allele CA2021941.

ClinVar aggregate classification (germline): Conflicting classifications of pathogenicity. Review status: criteria provided, conflicting classifications (1 of 4 stars). 4 submissions from 4 submitters: Uncertain significance (3); Likely benign (1). Last evaluated 2025-12-01.

Conditions:
Ehlers-Danlos syndrome, classic type (cEDS). Identifiers: Orphanet 287, MedGen C4225429, MONDO:0007522.
Familial thoracic aortic aneurysm and aortic dissection (TAAD). Also called: Thoracic aortic aneurysms and dissections. Identifiers: Orphanet 91387, MedGen C4707243, MONDO:0019625.
Ehlers-Danlos syndrome, classic type, 1 (EDSCL1). Also called: Ehlers-Danlos Syndrome, Classic Type, COL5A1-Related; EDS I; Ehlers-Danlos syndrome, type 1; EHLERS-DANLOS SYNDROME, GRAVIS TYPE; EHLERS-DANLOS SYNDROME, SEVERE CLASSIC TYPE. Identifiers: MedGen C0268335, MONDO:0019567, OMIM 130000.

Allele frequency attached by ClinVar (database versions not stated): TOPMed 0.00001; gnomAD exomes 0.00003 and 0.00004; ExAC 0.00002; gnomAD 0.00002.
gnomAD v4.1: 62 of 1,613,466 alleles (0.0038%); highest among the groups gnomAD compares: Middle Eastern, 0.051%; no homozygotes.

Submissions (4):

Labcorp Genetics (formerly Invitae), Labcorp
Classification: Likely benign for Ehlers-Danlos syndrome, classic type, 1. Last evaluated: 2025-12-01. Review status: criteria provided, single submitter. Criteria: Invitae Variant Classification Sherloc (09022015). Collection method: clinical testing. Allele origin: germline.

Mayo Clinic Laboratories, Mayo Clinic
Classification: Uncertain significance. Last evaluated: 2025-05-25. Review status: criteria provided, single submitter. Criteria: ACMG Guidelines, 2015. Collection method: clinical testing. Allele origin: germline. Observed: 1 variant allele.

GeneDx
Classification: Uncertain significance. Last evaluated: 2023-06-01. Review status: criteria provided, single submitter. Criteria: GeneDx Variant Classification Process June 2021. Collection method: clinical testing. Allele origin: germline. Affected: yes.
Comment: Has not been previously published as pathogenic or benign to our knowledge; In silico analysis supports that this missense variant does not alter protein structure/function

Ambry Genetics
Classification: Uncertain significance for Familial thoracic aortic aneurysm and aortic dissection. Last evaluated: 2016-08-08. Review status: criteria provided, single submitter. Criteria: Ambry Variant Classification Scheme 2023. Collection method: clinical testing. Allele origin: germline.
Comment: The p.E1216K variant (also known as c.3646G>A), located in coding exon 51 of the COL5A2 gene, results from a G to A substitution at nucleotide position 3646. The glutamic acid at codon 1216 is replaced by lysine, an amino acid with similar properties. This variant was not reported in population based cohorts in the following databases: Database of Single Nucleotide Polymorphisms (dbSNP), NHLBI Exome Sequencing Project (ESP), and 1000 Genomes Project. In the ESP, this variant was not observed in 6500 samples (13000 alleles) with coverage at this position. Based on data from ExAC, the A allele has an overall frequency less than 0.01% (1/99396). This amino acid position is not well conserved in available vertebrate species. In addition, the in silico prediction for this alteration is inconclusive. Since supporting evidence is limited at this time, the clinical significance of this alteration remains unclear.

Literature cited by the submitters: PubMed 26566670 (cited by Mayo Clinic Laboratories, Mayo Clinic); PubMed 37079061 (cited by Mayo Clinic Laboratories, Mayo Clinic).